The following is an entry in ClinVar:

ClinVar aggregate classification (germline): Likely pathogenic (1 of 4 stars; one submission).

Submission:

Labcorp Genetics (formerly Invitae), Labcorp
Classification: Likely pathogenic. Last evaluated: 2023-08-30. Review status: criteria provided, single submitter. Criteria: Invitae Variant Classification Sherloc (09022015). Collection method: clinical testing. Allele origin: germline.
Comment: Advanced modeling of protein sequence and biophysical properties (such as structural, functional, and spatial information, amino acid conservation, physicochemical variation, residue mobility, and thermodynamic stability) performed at Invitae indicates that this missense variant is expected to disrupt COL4A5 protein function. This variant disrupts the triple helix domain of COL4A5. Glycine residues within the Gly-Xaa-Yaa repeats of the triple helix domain are required for the structure and stability of fibrillar collagens (PMID: 7695699, 8218237, 19344236). In COL4A5, missense variants at these glycine residues are significantly enriched in individuals with disease (PMID: 23720012, 27627812) compared to the general population (ExAC). In summary, the currently available evidence indicates that the variant is pathogenic, but additional data are needed to prove that conclusively. Therefore, this variant has been classified as Likely Pathogenic. This missense change has been observed in individual(s) with clinical features of Alport disease (PMID: 29270492; Invitae). This sequence change replaces glycine, which is neutral and non-polar, with aspartic acid, which is acidic and polar, at codon 186 of the COL4A5 protein (p.Gly186Asp). This variant is not present in population databases (gnomAD no frequency). ClinVar contains an entry for this variant (Variation ID: 1465592).

Literature cited by the submitters: PubMed 7695699; PubMed 8218237; PubMed 19344236; PubMed 23720012; PubMed 27627812; PubMed 29270492.

NM_033380.3(COL4A5):c.557G>A (p.Gly186Asp)

Gene: COL4A5 (collagen type IV alpha 5 chain; plus strand). Cytogenetic location: Xq22.3.
Variant type: single nucleotide variant.
Coding change: c.557G>A on transcript NM_033380.3 (MANE Select); coding-DNA position 557, G replaced by A.
Protein change: p.Gly186Asp; replaces glycine 186 with aspartic acid.
Molecular consequence: missense variant.
Genome position (GRCh38, 1-based): chrX:108,575,920, G>A. VCF-style: chrX-108575920-G-A. GRCh37 (hg19) VCF-style: chrX-107819150-G-A.
Other names: c.557G>A, p.Gly186Asp (NM_000495.5); short protein forms G186D.
Identifiers: ClinVar variation 1465592 (VCV001465592.8), dbSNP rs2147765101, ClinGen allele CA413921954.
Genomic context (GRCh38, chrX:108,575,920, plus strand): 5'-GGGCTTGTTTTTCTTTTTTTTCATCATTTTCTTTACTCACTTTATAACAGGGCCTACCTG[G>A]TCCCACTGGTATACCAGGGCCAATTGGTCCCCCAGGACCACCAGGTTTGATGGTAAGCTC-3'
Protein context (NP_203699.1, residues 176-196): PGPPGIQGLP[Gly186Asp]PTGIPGPIGP